The following is an entry in ClinVar:

ClinVar aggregate classification (germline): Uncertain significance (1 of 4 stars; one submission).

gnomAD v4.1: 2 of 1,614,050 alleles (0.00012%); highest among the groups gnomAD compares: Admixed American, 0.0017%; no homozygotes.

Submission:

Labcorp Genetics (formerly Invitae), Labcorp
Classification: Uncertain significance. Last evaluated: 2025-07-16. Review status: criteria provided, single submitter. Criteria: Invitae Variant Classification Sherloc (09022015). Collection method: clinical testing. Allele origin: germline.
Comment: This sequence change replaces alanine, which is neutral and non-polar, with threonine, which is neutral and polar, at codon 333 of the RHO protein (p.Ala333Thr). This variant is present in population databases (no rsID available, gnomAD 0.003%). This variant has not been reported in the literature in individuals affected with RHO-related conditions. Invitae Evidence Modeling of protein sequence and biophysical properties (such as structural, functional, and spatial information, amino acid conservation, physicochemical variation, residue mobility, and thermodynamic stability) indicates that this missense variant is not expected to disrupt RHO protein function with a negative predictive value of 95%. In summary, the available evidence is currently insufficient to determine the role of this variant in disease. Therefore, it has been classified as a Variant of Uncertain Significance.

NM_000539.3(RHO):c.997G>A (p.Ala333Thr)

Gene: RHO (rhodopsin; plus strand). Cytogenetic location: 3q22.1.
Variant type: single nucleotide variant.
Coding change: c.997G>A on transcript NM_000539.3 (MANE Select); coding-DNA position 997, G replaced by A.
Protein change: p.Ala333Thr; replaces alanine 333 with threonine.
Molecular consequence: missense variant.
Genome position (GRCh38, 1-based): chr3:129,533,668, G>A. VCF-style: chr3-129533668-G-A. GRCh37 (hg19) VCF-style: chr3-129252511-G-A.
Other names: short protein forms A333T.
Identifiers: ClinVar variation 4807799 (VCV004807799.1).